The following is an entry in ClinVar:

ClinVar aggregate classification (germline): Uncertain significance (1 of 4 stars; one submission).

Submission:

GeneDx
Classification: Uncertain significance. Last evaluated: 2023-12-27. Review status: criteria provided, single submitter. Criteria: GeneDx Variant Classification Process June 2021. Collection method: clinical testing. Allele origin: germline. Affected: yes.
Comment: Not observed at significant frequency in large population cohorts (gnomAD); In silico analysis supports that this missense variant does not alter protein structure/function; Has not been previously published as pathogenic or benign to our knowledge

NM_153252.5(BRWD3):c.4731T>G (p.Ser1577Arg)

Gene: BRWD3 (bromodomain and WD repeat domain containing 3; minus strand). Cytogenetic location: Xq21.1.
Variant type: single nucleotide variant.
Coding change: c.4731T>G on transcript NM_153252.5 (MANE Select); coding-DNA position 4731, T replaced by G.
Protein change: p.Ser1577Arg; replaces serine 1577 with arginine.
Molecular consequence: missense variant.
Genome position (GRCh38, 1-based): chrX:80,677,287, A>C on the plus strand (T>G on the coding strand, the complement: BRWD3 is on the minus strand). VCF-style: chrX-80677287-A-C. GRCh37 (hg19) VCF-style: chrX-79932786-A-C.
Other names: short protein forms S1577R.
Identifiers: ClinVar variation 3367329 (VCV003367329.1).